The following is an entry in ClinVar:

ClinVar aggregate classification (germline): Uncertain significance. Review status: criteria provided, multiple submitters, no conflicts (2 of 4 stars). 2 submissions from 2 submitters: Uncertain significance (2). Last evaluated 2025-02-14.

Conditions:
Microcephaly, normal intelligence and immunodeficiency (NBS). Also called: Immunodeficiency, microcephaly with normal intelligence; Microcephaly with normal intelligence immunodeficiency and lymphoreticular malignancies; Nonsyndromal microcephaly autosomal recessive with normal intelligence; Seemanova syndrome 2; Ataxia telangiectasia variant V1; SEEMANOVA SYNDROME II. Identifiers: Orphanet 647, MedGen C0398791, MONDO:0009623, OMIM 251260.
Hereditary cancer-predisposing syndrome. Also called: Hereditary Cancer Syndrome; Neoplastic Syndromes, Hereditary; Tumor predisposition; Hereditary neoplastic syndrome. Identifiers: Orphanet 140162, MedGen C0027672, MeSH D009386, MONDO:0015356.

Submissions (2):

Ambry Genetics
Classification: Uncertain significance for Hereditary cancer-predisposing syndrome. Last evaluated: 2025-02-14. Review status: criteria provided, single submitter. Criteria: Ambry Variant Classification Scheme 2023. Collection method: clinical testing. Allele origin: germline.
Comment: The p.L522V variant (also known as c.1564T>G), located in coding exon 11 of the NBN gene, results from a T to G substitution at nucleotide position 1564. The leucine at codon 522 is replaced by valine, an amino acid with highly similar properties. This amino acid position is conserved. In addition, this alteration is predicted to be tolerated by in silico analysis. Based on the available evidence, the clinical significance of this variant remains unclear.

Labcorp Genetics (formerly Invitae), Labcorp
Classification: Uncertain significance for Microcephaly, normal intelligence and immunodeficiency. Last evaluated: 2020-11-28. Review status: criteria provided, single submitter. Criteria: Invitae Variant Classification Sherloc (09022015). Collection method: clinical testing. Allele origin: germline.
Comment: In summary, the available evidence is currently insufficient to determine the role of this variant in disease. Therefore, it has been classified as a Variant of Uncertain Significance. Algorithms developed to predict the effect of sequence changes on RNA splicing suggest that this variant may create or strengthen a splice site, but this prediction has not been confirmed by published transcriptional studies. Algorithms developed to predict the effect of missense changes on protein structure and function (SIFT, PolyPhen-2, Align-GVGD) all suggest that this variant is likely to be tolerated, but these predictions have not been confirmed by published functional studies and their clinical significance is uncertain. This variant has not been reported in the literature in individuals with NBN-related conditions. This variant is not present in population databases (ExAC no frequency). This sequence change replaces leucine with valine at codon 522 of the NBN protein (p.Leu522Val). The leucine residue is weakly conserved and there is a small physicochemical difference between leucine and valine.

NM_002485.5(NBN):c.1564T>G (p.Leu522Val)

Gene: NBN (nibrin; minus strand). Cytogenetic location: 8q21.3.
Variant type: single nucleotide variant.
Coding change: c.1564T>G on transcript NM_002485.5 (MANE Select); coding-DNA position 1564, T replaced by G.
Protein change: p.Leu522Val; replaces leucine 522 with valine.
Molecular consequence: missense variant.
Genome position (GRCh38, 1-based): chr8:89,953,525, A>C on the plus strand (T>G on the coding strand, the complement: NBN is on the minus strand). VCF-style: chr8-89953525-A-C. GRCh37 (hg19) VCF-style: chr8-90965753-A-C.
Other names: c.1564T>G (NM_002485.4); c.1318T>G, p.Leu440Val (NM_001024688.3); short protein forms L440V, L522V.
Identifiers: ClinVar variation 1352243 (VCV001352243.9), dbSNP rs2129700928, ClinGen allele CA371655586.